The following is an entry in ClinVar:

ClinVar aggregate classification (germline): Conflicting classifications of pathogenicity. Review status: criteria provided, conflicting classifications (1 of 4 stars). 3 submissions from 3 submitters: Pathogenic (1); Likely pathogenic (1); Uncertain significance (1). Last evaluated 2025-02-10.

Conditions:
Birt-Hogg-Dube syndrome. Also called: Birt Hogg Dubé syndrome. Identifiers: Orphanet 122, MedGen C0346010, MONDO:0800444.

Submissions (3):

Labcorp Genetics (formerly Invitae), Labcorp
Classification: Pathogenic for Birt-Hogg-Dube syndrome. Last evaluated: 2025-02-10. Review status: criteria provided, single submitter. Criteria: Invitae Variant Classification Sherloc (09022015). Collection method: clinical testing. Allele origin: germline.
Comment: This variant, c.464_475del, results in the deletion of 4 amino acid(s) of the FLCN protein (p.Thr155_Ile158del), but otherwise preserves the integrity of the reading frame. This variant is not present in population databases (gnomAD no frequency). This variant has been observed in individual(s) with clinical features of Birt-Hogg-Dubé syndrome (internal data). ClinVar contains an entry for this variant (Variation ID: 1039281). This variant disrupts a region of the FLCN protein in which other variant(s) (p.Phe157del) have been determined to be pathogenic (PMID: 18505456, 22146830, 22571569, 27906882; 21538689.). This suggests that this is a clinically significant region of the protein, and that variants that disrupt it are likely to be disease-causing. For these reasons, this variant has been classified as Pathogenic.

Mayo Clinic Laboratories, Mayo Clinic
Classification: Likely pathogenic. Last evaluated: 2024-01-19. Review status: criteria provided, single submitter. Criteria: ACMG Guidelines, 2015. Collection method: clinical testing. Allele origin: germline. Observed: 1 variant allele.
Comment: PM1, PM2_moderate, PM4

Quest Diagnostics Nichols Institute San Juan Capistrano
Classification: Uncertain significance. Last evaluated: 2023-06-27. Review status: criteria provided, single submitter. Criteria: Quest Diagnostics criteria. Collection method: clinical testing. Allele origin: unknown.
Comment: This variant has not been reported in the published literature. It also has not been reported in large, multi-ethnic general populations (Genome Aggregation Database). Based on the available information, we are unable to determine the clinical significance of this variant.

Literature cited by the submitters: PubMed 18505456 (cited by 3 submitters); PubMed 22146830 (cited by 3 submitters); PubMed 22571569 (cited by 3 submitters); PubMed 27906882 (cited by 3 submitters); PubMed 21538689 (cited by 3 submitters); PubMed 22725638 (cited by Mayo Clinic Laboratories, Mayo Clinic); PubMed 25655561 (cited by Mayo Clinic Laboratories, Mayo Clinic); PubMed 30360018 (cited by Mayo Clinic Laboratories, Mayo Clinic); PubMed 31258130 (cited by Mayo Clinic Laboratories, Mayo Clinic); PubMed 31615547 (cited by Mayo Clinic Laboratories, Mayo Clinic); PubMed 33313181 (cited by Mayo Clinic Laboratories, Mayo Clinic).

NM_144997.7(FLCN):c.464_475del (p.Thr155_Ile158del)

Gene: FLCN (folliculin; minus strand). Cytogenetic location: 17p11.2.
Variant type: Deletion.
Coding change: c.464_475del on transcript NM_144997.7 (MANE Select); coding-DNA positions 464 to 475, 12 bases deleted (CCTTCTTCATCA).
Protein change: p.Thr155_Ile158del.
Molecular consequence: inframe deletion.
Genome position (GRCh38, 1-based): chr17:17,224,065-17,224,076, TGATGAAGAAGG deleted on the plus strand (CCTTCTTCATCA on the coding strand, the reverse complement: FLCN is on the minus strand); deleting any 12 consecutive bases within chr17:17,224,065-17,224,078 gives the same sequence; the c. name uses the placement nearest the transcript's 3' end. VCF-style (leftmost placement, unchanged base first): chr17-17224064-TTGATGAAGAAGG-T. GRCh37 (hg19) VCF-style: chr17-17127378-TTGATGAAGAAGG-T.
Other names: p.Thr155_Ile158del; c.518_529del, p.Thr173_Ile176del (NM_001353229.2); c.464_475del, p.Thr155_Ile158del (NM_001353230.2, NM_001353231.2, NM_144606.7); c.464_475del (NM_144997.6).
Identifiers: ClinVar variation 1039281 (VCV001039281.7), dbSNP rs2047178513, ClinGen allele CA2250423491.